The following is an entry in ClinVar:

ClinVar aggregate classification (germline): Likely benign. Review status: reviewed by expert panel (3 of 4 stars). 5 submissions from 5 submitters: Likely benign (1). 4 of the submissions do not count toward it. Last evaluated 2017-06-29.

Conditions:
Hereditary breast ovarian cancer syndrome. Also called: Hereditary breast and ovarian cancer; Hereditary breast and ovarian cancer syndrome; Breast and ovarian cancer; Hereditary breast and ovarian cancer syndrome (HBOC); Hereditary breast and/or ovarian cancer syndrome; BRCA1- and BRCA2-Associated Hereditary Breast and Ovarian Cancer. Identifiers: Orphanet 145, MedGen C0677776, MeSH D061325, MONDO:0003582. Disease mechanism: loss of function.
Breast-ovarian cancer, familial, susceptibility to, 2 (BROVCA2). Also called: BRCA2 Hereditary Breast and Ovarian Cancer. Identifiers: Orphanet 145, MedGen C2675520, MONDO:0012933, OMIM 612555. Disease mechanism: loss of function.
Hereditary cancer-predisposing syndrome. Also called: Hereditary Cancer Syndrome; Neoplastic Syndromes, Hereditary; Tumor predisposition; Hereditary neoplastic syndrome. Identifiers: Orphanet 140162, MedGen C0027672, MeSH D009386, MONDO:0015356.

Allele frequency attached by ClinVar (database versions not stated): gnomAD exomes below 0.00001.
gnomAD v4.1: 5 of 1,614,076 alleles (0.00031%); highest among the groups gnomAD compares: Non-Finnish European, 0.00042%; no homozygotes.

Submissions (5):

Evidence-based Network for the Interpretation of Germline Mutant Alleles (ENIGMA)
Classification: Likely benign for Breast-ovarian cancer, familial, susceptibility to, 2. Last evaluated: 2017-06-29. Review status: reviewed by expert panel. Criteria: ENIGMA BRCA1/2 Classification Criteria (2017-06-29). Collection method: curation. Allele origin: germline.
Comment: Synonymous substitution variant, with low bioinformatic likelihood to result in a splicing aberration (Splicing prior probability 0.02).

Labcorp Genetics (formerly Invitae), Labcorp
Classification: Likely benign for Hereditary breast ovarian cancer syndrome. Last evaluated: 2026-01-18. Review status: criteria provided, single submitter. Criteria: Invitae Variant Classification Sherloc (09022015). Collection method: clinical testing. Allele origin: germline. Not counted in ClinVar's aggregate classification.

Women's Health and Genetics/Laboratory Corporation of America, LabCorp
Classification: Likely benign. Last evaluated: 2022-09-19. Review status: criteria provided, single submitter. Criteria: LabCorp Variant Classification Summary - May 2015. Collection method: clinical testing. Allele origin: germline. Not counted in ClinVar's aggregate classification.

GeneDx
Classification: Likely benign. Last evaluated: 2016-06-13. Review status: criteria provided, single submitter. Criteria: GeneDx Variant Classification (06012015). Collection method: clinical testing. Allele origin: germline. Affected: yes. Not counted in ClinVar's aggregate classification.
Comment: This variant is considered likely benign or benign based on one or more of the following criteria: it is a conservative change, it occurs at a poorly conserved position in the protein, it is predicted to be benign by multiple in silico algorithms, and/or has population frequency not consistent with disease.

Ambry Genetics
Classification: Likely benign for Hereditary cancer-predisposing syndrome. Last evaluated: 2014-12-02. Review status: criteria provided, single submitter. Criteria: Ambry Variant Classification Scheme 2023. Collection method: clinical testing. Allele origin: germline. Not counted in ClinVar's aggregate classification.

NM_000059.4(BRCA2):c.1641A>G (p.Ser547=)

Gene: BRCA2 (BRCA2 DNA repair associated; plus strand). Cytogenetic location: 13q13.1.
Variant type: single nucleotide variant.
Coding change: c.1641A>G on transcript NM_000059.4 (MANE Select); coding-DNA position 1641, A replaced by G.
Protein change: p.Ser547=; no amino-acid change (serine 547 retained).
Molecular consequence: synonymous variant.
Genome position (GRCh38, 1-based): chr13:32,333,119, A>G. VCF-style: chr13-32333119-A-G. GRCh37 (hg19) VCF-style: chr13-32907256-A-G.
Identifiers: ClinVar variation 187345 (VCV000187345.19), dbSNP rs786203659, ClinGen allele CA012726.